The following continues an entry in ClinVar:

NM_000492.4(CFTR):c.3140-26A>G

ClinVar aggregate classification (germline): Pathogenic. Pathogenic (1).

Submissions 25 to 27 of 27:

Department of Pathology and Laboratory Medicine, Sinai Health System
Classification: Pathogenic. Review status: no assertion criteria provided. Collection method: clinical testing. Allele origin: unknown. Affected: yes. Study: The Canadian Open Genetics Repository (COGR). Not counted in ClinVar's aggregate classification.
Comment: The CFTR c.3140-26A>G variant has been reported in several compound heterozygous cystic fibrosis (CF) patients who also carried the p.F508del variant or another pathogenic CFTR variant (Pereira_2019_ PMID: 30996306; Beck_1999_PMID:10425036; Ramalho_2002_PMID:12397022; Storm_2007_PMID:17481968). This variant has been reported to be associated with a milder CF phenotype (Beck_1999_PMID:10425036). The variant was identified in dbSNP (ID: rs76151804) and ClinVar (classified as pathogenic by Invitae, EGL Genetics and seven other submitters). The variant was identified in control databases in 13 of 268026 chromosomes at a frequency of 0.0000485 (Genome Aggregation Database March 6, 2019, v2.1.1). The variant was observed in the following populations: Latino in 4 of 34026 chromosomes (freq: 0.000118), European (non-Finnish) in 8 of 120280 chromosomes (freq: 0.000067) and African in 1 of 24118 chromosomes (freq: 0.000041), but was not observed in the Ashkenazi Jewish, East Asian, European (Finnish), other, or South Asian populations. The variant occurs outside of the splicing consensus sequence and 4 of 4 in silico or computational prediction software programs (SpliceSiteFinder, MaxEntScan, NNSPLICE, GeneSplicer) predict a greater than 10% difference in splicing and the creation of a new 3' splice site. Multiple functional studies have confirmed this aberrant splicing and have determined that this variant extends exon 20 by 25 base pairs, which causes a frameshift leading to a premature stop codon (Sanz_2017_PMID: 28863137; Beck_1999_PMID:10425036; Ramalho_2002_PMID: 12397022). Compared to wild type, patient cells with this variant only have 5% normal CFTR mRNA (Ramalho_2002_PMID: 12397022). In summary, based on the above information this variant meets our laboratoryâ€šÃ„Ã´s criteria to be classified as pathogenic.

Diagnostic Laboratory, Department of Genetics, University Medical Center Groningen
Classification: Pathogenic. Review status: no assertion criteria provided. Collection method: clinical testing. Allele origin: germline. Affected: yes. Study: VKGL Data-share Consensus. Not counted in ClinVar's aggregate classification.

Joint Genome Diagnostic Labs from Nijmegen and Maastricht, Radboudumc and MUMC+
Classification: Pathogenic. Review status: no assertion criteria provided. Collection method: clinical testing. Allele origin: germline. Affected: yes. Study: VKGL Data-share Consensus. Not counted in ClinVar's aggregate classification.

Literature cited by the submitters: PubMed 17481968 (cited by Labcorp Genetics (formerly Invitae), Labcorp and Quest Diagnostics Nichols Institute San Juan Capistrano); PubMed 23974870 (cited by 4 submitters); PubMed 12397022 (cited by Labcorp Genetics (formerly Invitae), Labcorp and Ambry Genetics); PubMed 17576681 (cited by Labcorp Genetics (formerly Invitae), Labcorp); PubMed 9536098 (cited by Labcorp Genetics (formerly Invitae), Labcorp); PubMed 27086061 (cited by Natera, Inc.); PubMed 10425036 (cited by 5 submitters); PubMed 11732487 (cited by 3 submitters); PubMed 7508414 (cited by Women's Health and Genetics/Laboratory Corporation of America, LabCorp); PubMed 1379210 (cited by 3 submitters); PubMed 17331079 (cited by Women's Health and Genetics/Laboratory Corporation of America, LabCorp); PubMed 10923036 (cited by Women's Health and Genetics/Laboratory Corporation of America, LabCorp); PubMed 12955726 (cited by Women's Health and Genetics/Laboratory Corporation of America, LabCorp and Quest Diagnostics Nichols Institute San Juan Capistrano); PubMed 7525450 (cited by Women's Health and Genetics/Laboratory Corporation of America, LabCorp); PubMed 8592345 (cited by Women's Health and Genetics/Laboratory Corporation of America, LabCorp); PubMed 7505689 (cited by Women's Health and Genetics/Laboratory Corporation of America, LabCorp); PubMed 11168023 (cited by Women's Health and Genetics/Laboratory Corporation of America, LabCorp); PubMed 22658665 (cited by Quest Diagnostics Nichols Institute San Juan Capistrano and Eurofins Ntd Llc (ga)); PubMed 34782259 (cited by Quest Diagnostics Nichols Institute San Juan Capistrano); PubMed 33855558 (cited by Quest Diagnostics Nichols Institute San Juan Capistrano); PubMed 21520337 (cited by Quest Diagnostics Nichols Institute San Juan Capistrano and Eurofins Ntd Llc (ga)); PubMed 7542347 (cited by Quest Diagnostics Nichols Institute San Juan Capistrano); PubMed 25910067 (cited by Dasa); PubMed 25122143 (cited by Dasa); PubMed 24243928 (cited by Dasa); PubMed 23810505 (cited by Dasa); PubMed 15365999 (cited by Dasa); PubMed 28603918 (cited by Dasa); PubMed 22975760 (cited by Eurofins Ntd Llc (ga)).